The following is an entry in ClinVar:

NM_000059.4(BRCA2):c.1176C>T (p.Ala392=)

Gene: BRCA2 (BRCA2 DNA repair associated; plus strand). Cytogenetic location: 13q13.1.
Variant type: single nucleotide variant.
Coding change: c.1176C>T on transcript NM_000059.4 (MANE Select); coding-DNA position 1176, C replaced by T.
Protein change: p.Ala392=; no amino-acid change (alanine 392 retained).
Molecular consequence: synonymous variant.
Genome position (GRCh38, 1-based): chr13:32,332,654, C>T. VCF-style: chr13-32332654-C-T. GRCh37 (hg19) VCF-style: chr13-32906791-C-T.
Identifiers: ClinVar variation 215434 (VCV000215434.22), dbSNP rs863224274, ClinGen allele CA338482.

ClinVar aggregate classification (germline): Likely benign. Review status: reviewed by expert panel (3 of 4 stars). 6 submissions from 6 submitters: Likely benign (1). 5 of the submissions do not count toward it. Last evaluated 2017-06-29.

Conditions:
Hereditary cancer-predisposing syndrome. Also called: Tumor predisposition; Hereditary Cancer Syndrome; Neoplastic Syndromes, Hereditary; Hereditary neoplastic syndrome. Identifiers: Orphanet 140162, MedGen C0027672, MeSH D009386, MONDO:0015356.
Hereditary breast ovarian cancer syndrome. Also called: Hereditary breast and/or ovarian cancer syndrome; BRCA1- and BRCA2-Associated Hereditary Breast and Ovarian Cancer; Hereditary breast and ovarian cancer; Hereditary breast and ovarian cancer syndrome (HBOC); Breast and ovarian cancer; Hereditary breast and ovarian cancer syndrome. Identifiers: Orphanet 145, MedGen C0677776, MeSH D061325, MONDO:0003582. Disease mechanism: loss of function.
Breast-ovarian cancer, familial, susceptibility to, 2 (BROVCA2). Also called: BRCA2 Hereditary Breast and Ovarian Cancer. Identifiers: Orphanet 145, MedGen C2675520, MONDO:0012933, OMIM 612555. Disease mechanism: loss of function.

Allele frequency attached by ClinVar (database versions not stated): gnomAD exomes below 0.00001; gnomAD 0.00001.
gnomAD v4.1: 4 of 1,613,920 alleles (0.00025%); highest among the groups gnomAD compares: African/African-American, 0.0013%; no homozygotes.

Submissions (6):

Evidence-based Network for the Interpretation of Germline Mutant Alleles (ENIGMA)
Classification: Likely benign for Breast-ovarian cancer, familial, susceptibility to, 2. Last evaluated: 2017-06-29. Review status: reviewed by expert panel. Criteria: ENIGMA BRCA1/2 Classification Criteria (2017-06-29). Collection method: curation. Allele origin: germline.
Comment: Synonymous substitution variant, with low bioinformatic likelihood to result in a splicing aberration (Splicing prior probability 0.02).

Labcorp Genetics (formerly Invitae), Labcorp
Classification: Benign for Hereditary breast ovarian cancer syndrome. Last evaluated: 2026-01-16. Review status: criteria provided, single submitter. Criteria: Invitae Variant Classification Sherloc (09022015). Collection method: clinical testing. Allele origin: germline. Not counted in ClinVar's aggregate classification.

All of Us Research Program, National Institutes of Health
Classification: Likely benign for Breast-ovarian cancer, familial, susceptibility to, 2. Last evaluated: 2024-02-05. Review status: criteria provided, single submitter. Criteria: ACMG Guidelines, 2015. Collection method: clinical testing. Allele origin: germline. Inheritance: Autosomal dominant inheritance. Observed: 1 variant allele, 1 heterozygote. Not counted in ClinVar's aggregate classification.
Comment: This study involves interpretation of variants in research participants for the purpose of population health screening. Participant phenotype was not available at the time of variant classification. Additional details can be found in publication PMID: 35346344, PMCID: PMC8962531

GeneDx
Classification: Likely benign. Last evaluated: 2020-03-16. Review status: criteria provided, single submitter. Criteria: GeneDx Variant Classification Process June 2021. Collection method: clinical testing. Allele origin: germline. Affected: yes. Not counted in ClinVar's aggregate classification.
Comment: This variant is associated with the following publications: (PMID: 25483746)

Color Diagnostics, LLC DBA Color Health
Classification: Likely benign for Hereditary cancer-predisposing syndrome. Last evaluated: 2018-11-30. Review status: criteria provided, single submitter. Criteria: ACMG Guidelines, 2015. Collection method: clinical testing. Allele origin: germline. Not counted in ClinVar's aggregate classification.

Ambry Genetics
Classification: Likely benign for Hereditary cancer-predisposing syndrome. Last evaluated: 2015-10-13. Review status: criteria provided, single submitter. Criteria: Ambry Variant Classification Scheme 2023. Collection method: clinical testing. Allele origin: germline. Not counted in ClinVar's aggregate classification.